The following is an entry in ClinVar:

ClinVar aggregate classification (germline): Uncertain significance. Review status: criteria provided, multiple submitters, no conflicts (2 of 4 stars). 6 submissions from 2 submitters: Uncertain significance (6). Last evaluated 2021-09-02.

Conditions:
Congenital myasthenic syndrome 16. Identifiers: Orphanet 590, MedGen C3280112, MONDO:0013620, OMIM 614198.
Hypokalemic periodic paralysis, type 2 (HOKPP2). Identifiers: Orphanet 681, MedGen C2750061, MONDO:0013234, OMIM 613345.
Potassium-aggravated myotonia. Also called: Myotonia congenita, atypical, acetazolamide-responsive; MYOTONIA CONGENITA, ACETAZOLAMIDE-RESPONSIVE; MYOTONIA CONGENITA, ATYPICAL; SODIUM CHANNEL MUSCLE DISEASE. Identifiers: Orphanet 612, Orphanet 99734, Orphanet 99735, Orphanet 99736, MedGen C2931826, MONDO:0018959, OMIM 608390.
Hyperkalemic periodic paralysis. Also called: Familial hyperkalemic periodic paralysis; Gamstorp disease. Identifiers: Orphanet 682, MedGen C0238357, MONDO:0008224, OMIM 170500, HP:0007215.
Paramyotonia congenita of Von Eulenburg. Also called: Myotonia congenita intermittens; Von Eulenburg paramyotonia congenita; Paramyotonia Congenita; PARALYSIS PERIODICA PARAMYOTONICA; Eulenburg disease. Identifiers: Orphanet 684, MedGen C0221055, MONDO:0008195, OMIM 168300. Disease mechanism: loss of function.

gnomAD v4.1: 9 of 1,601,118 alleles (0.00056%); highest among the groups gnomAD compares: East Asian, 0.018%; no homozygotes.

Submissions (6):

Labcorp Genetics (formerly Invitae), Labcorp
Classification: Uncertain significance for Hyperkalemic periodic paralysis. Last evaluated: 2021-09-02. Review status: criteria provided, single submitter. Criteria: Invitae Variant Classification Sherloc (09022015). Collection method: clinical testing. Allele origin: germline.
Comment: This sequence change replaces proline with arginine at codon 520 of the SCN4A protein (p.Pro520Arg). The proline residue is highly conserved and there is a moderate physicochemical difference between proline and arginine. This variant is not present in population databases (ExAC no frequency). This variant has not been reported in the literature in individuals affected with SCN4A-related conditions. Algorithms developed to predict the effect of missense changes on protein structure and function (SIFT, PolyPhen-2, Align-GVGD) all suggest that this variant is likely to be tolerated. In summary, the available evidence is currently insufficient to determine the role of this variant in disease. Therefore, it has been classified as a Variant of Uncertain Significance.

Illumina Laboratory Services, Illumina
Classification: Uncertain significance for Hyperkalemic periodic paralysis. Last evaluated: 2018-01-13. Review status: criteria provided, single submitter. Criteria: ICSL Variant Classification Criteria 13 December 2019. Collection method: clinical testing. Allele origin: germline.

Illumina Laboratory Services, Illumina
Classification: Uncertain significance for Paramyotonia congenita of Von Eulenburg. Last evaluated: 2018-01-13. Review status: criteria provided, single submitter. Criteria: ICSL Variant Classification Criteria 13 December 2019. Collection method: clinical testing. Allele origin: germline.

Illumina Laboratory Services, Illumina
Classification: Uncertain significance for Congenital myasthenic syndrome 16. Last evaluated: 2018-01-13. Review status: criteria provided, single submitter. Criteria: ICSL Variant Classification Criteria 13 December 2019. Collection method: clinical testing. Allele origin: germline.

Illumina Laboratory Services, Illumina
Classification: Uncertain significance for Potassium-aggravated myotonia. Last evaluated: 2018-01-13. Review status: criteria provided, single submitter. Criteria: ICSL Variant Classification Criteria 13 December 2019. Collection method: clinical testing. Allele origin: germline.

Illumina Laboratory Services, Illumina
Classification: Uncertain significance for Hypokalemic periodic paralysis, type 2. Last evaluated: 2018-01-13. Review status: criteria provided, single submitter. Criteria: ICSL Variant Classification Criteria 13 December 2019. Collection method: clinical testing. Allele origin: germline.

NM_000334.4(SCN4A):c.1559C>G (p.Pro520Arg)

Gene: SCN4A (sodium voltage-gated channel alpha subunit 4; minus strand). Cytogenetic location: 17q23.3.
Variant type: single nucleotide variant.
Coding change: c.1559C>G on transcript NM_000334.4 (MANE Select); coding-DNA position 1559, C replaced by G.
Protein change: p.Pro520Arg; replaces proline 520 with arginine.
Molecular consequence: missense variant.
Genome position (GRCh38, 1-based): chr17:63,963,719, G>C on the plus strand (C>G on the coding strand, the complement: SCN4A is on the minus strand). VCF-style: chr17-63963719-G-C. GRCh37 (hg19) VCF-style: chr17-62041079-G-C.
Other names: short protein forms P520R.
Identifiers: ClinVar variation 566952 (VCV000566952.11), dbSNP rs753391449, ClinGen allele CA400634502.